The following is an entry in ClinVar:

NM_017635.5(KMT5B):c.2413C>T (p.Pro805Ser)

Gene: KMT5B (lysine methyltransferase 5B; minus strand). Cytogenetic location: 11q13.2.
Variant type: single nucleotide variant.
Coding change: c.2413C>T on transcript NM_017635.5 (MANE Select); coding-DNA position 2413, C replaced by T.
Protein change: p.Pro805Ser; replaces proline 805 with serine.
Molecular consequence: missense variant.
Genome position (GRCh38, 1-based): chr11:68,157,933, G>A on the plus strand (C>T on the coding strand, the complement: KMT5B is on the minus strand). VCF-style: chr11-68157933-G-A. GRCh37 (hg19) VCF-style: chr11-67925400-G-A.
Other names: c.2413C>T (NM_017635.4); c.1897C>T, p.Pro633Ser (NM_001300907.1, NM_001369428.1, NM_001369429.1 and 4 more transcripts); c.1693C>T, p.Pro565Ser (NM_001300908.2); c.2413C>T, p.Pro805Ser (NM_001369426.1); short protein forms P565S, P633S, P805S.
Identifiers: ClinVar variation 1098593 (VCV001098593.2), dbSNP rs2153039971, ClinGen allele CA381587306.

ClinVar aggregate classification (germline): Uncertain significance. Review status: criteria provided, multiple submitters, no conflicts (2 of 4 stars). 2 submissions from 2 submitters: Uncertain significance (2). Last evaluated 2025-02-17.

Conditions:
Intellectual developmental disorder, autosomal dominant 51. Also called: MENTAL RETARDATION, AUTOSOMAL DOMINANT 51; Intellectual disability, autosomal dominant 51. Identifiers: Orphanet 684226, MedGen C4540474, MONDO:0030917, OMIM 617788.
KMT5B-related disorder. Also called: KMT5B-related condition.

gnomAD v4.1: 1 of 1,614,068 alleles (0.000062%); highest among the groups gnomAD compares: South Asian, 0.0011%; no homozygotes.

Submissions (2):

PreventionGenetics, part of Exact Sciences
Classification: Uncertain significance for KMT5B-related condition. Last evaluated: 2025-02-17. Review status: criteria provided, single submitter. Criteria: ACMG Guidelines, 2015. Collection method: clinical testing. Allele origin: germline.
Comment: The KMT5B c.2413C>T variant is predicted to result in the amino acid substitution p.Pro805Ser. To our knowledge, this variant has not been reported in the literature or in a large population database (gnomAD), indicating this variant is rare. At this time, the clinical significance of this variant is uncertain due to the absence of conclusive functional and genetic evidence.

New York Genome Center
Classification: Uncertain significance for Intellectual developmental disorder, autosomal dominant 51. Last evaluated: 2020-05-15. Review status: criteria provided, single submitter. Criteria: NYGC Assertion Criteria 2020. Collection method: clinical testing. Allele origin: inherited. Observed: 1 heterozygote. Study: CSER-NYCKidSeq.